The following is an entry in ClinVar:

NM_005458.8(GABBR2):c.2683C>A (p.Gln895Lys)

Gene: GABBR2 (gamma-aminobutyric acid type B receptor subunit 2; minus strand). Cytogenetic location: 9q22.33.
Variant type: single nucleotide variant.
Coding change: c.2683C>A on transcript NM_005458.8 (MANE Select); coding-DNA position 2683, C replaced by A.
Protein change: p.Gln895Lys; replaces glutamine 895 with lysine.
Molecular consequence: missense variant.
Genome position (GRCh38, 1-based): chr9:98,290,727, G>T on the plus strand (C>A on the coding strand, the complement: GABBR2 is on the minus strand). VCF-style: chr9-98290727-G-T. GRCh37 (hg19) VCF-style: chr9-101053009-G-T.
Other names: short protein forms Q895K.
Identifiers: ClinVar variation 3377672 (VCV003377672.1).

ClinVar aggregate classification (germline): Uncertain significance (1 of 4 stars; one submission).

Conditions:
Neurodevelopmental disorder with poor language and loss of hand skills. Identifiers: MedGen C4693546, MONDO:0060659, OMIM 617903.

gnomAD v4.1: 1 of 1,490,378 alleles (0.000067%); highest among the groups gnomAD compares: South Asian, 0.0015%; no homozygotes.

Submission:

Neuberg Centre For Genomic Medicine, NCGM
Classification: Uncertain significance for Neurodevelopmental disorder with poor language and loss of hand skills. Last evaluated: 2023-06-22. Review status: criteria provided, single submitter. Criteria: ACMG Guidelines, 2015. Collection method: clinical testing. Allele origin: germline. Inheritance: Autosomal dominant inheritance. Affected: yes.
Comment: The observed missense variant c.2683C>A(p.Gln895Lys) in the GABBR2 gene has not been reported previously as a pathogenic variant nor as a benign variant, to our knowledge. This variant is absent in the gnomAD Exomes. The amino acid Gln at position 895 is changed to a Lys changing protein sequence and it might alter its composition and physico-chemical properties. Multiple lines of computational evidence (SIFT - Damaging and MutationTaster - Disease causing) predict a damaging effect on protein structure and function for this variant. The residue is conserved by GERP++ and PhyloP across 100 vertebrates. For these reasons, this variant has been classified as Uncertain Significance.